The following is an entry in ClinVar:

NM_024652.6(LRRK1):c.4231G>A (p.Gly1411Arg)

Genes: LRRK1 (leucine rich repeat kinase 1; plus strand), LRRK1-AS1 (LRRK1 antisense RNA 1; minus strand). Cytogenetic location: 15q26.3.
Variant type: single nucleotide variant.
Coding change: c.4231G>A on transcript NM_024652.6 (MANE Select); coding-DNA position 4231, G replaced by A.
Protein change: p.Gly1411Arg; replaces glycine 1411 with arginine.
Molecular consequence: missense variant.
Genome position (GRCh38, 1-based): chr15:101,055,122, G>A. VCF-style: chr15-101055122-G-A. GRCh37 (hg19) VCF-style: chr15-101595327-G-A.
Other names: short protein forms G1411R.
Identifiers: ClinVar variation 1390063 (VCV001390063.6), dbSNP rs1211781027, ClinGen allele CA393954262.
Genomic context (GRCh38, chr15:101,055,122, plus strand): 5'-AACATTCTGGTGTGGTCCCTTGACGTCAAGGAGCACATCAACATCAAGCTATCTGACTAC[G>A]GGATTTCGAGGCAGTCATTCCATGAGGGCGCCCTAGGCGTGGAGGGCACTCCTGGCTACC-3'
Protein context (NP_078928.3, residues 1401-1421): EHINIKLSDY[Gly1411Arg]ISRQSFHEGA

ClinVar aggregate classification (germline): Uncertain significance (1 of 4 stars; one submission).

Allele frequency attached by ClinVar (database versions not stated): gnomAD exomes below 0.00001.
gnomAD v4.1: 3 of 1,613,784 alleles (0.00019%); highest among the groups gnomAD compares: Non-Finnish European, 0.00017%; no homozygotes.

Submission:

Labcorp Genetics (formerly Invitae), Labcorp
Classification: Uncertain significance. Last evaluated: 2022-11-08. Review status: criteria provided, single submitter. Criteria: Invitae Variant Classification Sherloc (09022015). Collection method: clinical testing. Allele origin: germline.
Comment: In summary, the available evidence is currently insufficient to determine the role of this variant in disease. Therefore, it has been classified as a Variant of Uncertain Significance. Algorithms developed to predict the effect of missense changes on protein structure and function are either unavailable or do not agree on the potential impact of this missense change (SIFT: "Deleterious"; PolyPhen-2: "Probably Damaging"; Align-GVGD: "Class C0"). ClinVar contains an entry for this variant (Variation ID: 1390063). This variant has not been reported in the literature in individuals affected with LRRK1-related conditions. This variant is present in population databases (no rsID available, gnomAD 0.0009%). This sequence change replaces glycine, which is neutral and non-polar, with arginine, which is basic and polar, at codon 1411 of the LRRK1 protein (p.Gly1411Arg).